The following is an entry in ClinVar:

NM_001365999.1(SZT2):c.8212C>T (p.Pro2738Ser)

Gene: SZT2 (SZT2 subunit of KICSTOR complex; plus strand). Cytogenetic location: 1p34.2.
Variant type: single nucleotide variant.
Coding change: c.8212C>T on transcript NM_001365999.1 (MANE Select); coding-DNA position 8212, C replaced by T.
Protein change: p.Pro2738Ser; replaces proline 2738 with serine.
Molecular consequence: missense variant.
Genome position (GRCh38, 1-based): chr1:43,442,879, C>T. VCF-style: chr1-43442879-C-T. GRCh37 (hg19) VCF-style: chr1-43908550-C-T.
Other names: c.8041C>T, p.Pro2681Ser (NM_015284.4); short protein forms P2738S, P2681S.
Identifiers: ClinVar variation 2332481 (VCV002332481.4), dbSNP rs749217751, ClinGen allele CA810482.

ClinVar aggregate classification (germline): Uncertain significance. Review status: criteria provided, multiple submitters, no conflicts (2 of 4 stars). 2 submissions from 2 submitters: Uncertain significance (2). Last evaluated 2026-07-10.

Conditions:
Inborn genetic diseases. Identifiers: MedGen C0950123, MeSH D030342.

gnomAD v4.1: 10 of 1,613,522 alleles (0.00062%); highest among the groups gnomAD compares: African/African-American, 0.0013%; no homozygotes.

Submissions (2):

GeneDx
Classification: Uncertain significance. Last evaluated: 2026-07-10. Review status: criteria provided, single submitter. Criteria: GeneDx Variant Classification Process June 2021. Collection method: clinical testing. Allele origin: germline.
Comment: Not observed at significant frequency in large population cohorts (gnomAD); In silico analysis supports that this missense variant has a deleterious effect on protein structure/function; Has not been previously published as pathogenic or benign to our knowledge

Ambry Genetics
Classification: Uncertain significance for Inborn genetic diseases. Last evaluated: 2022-12-05. Review status: criteria provided, single submitter. Criteria: Ambry Variant Classification Scheme 2023. Collection method: clinical testing. Allele origin: germline.